The following is an entry in ClinVar:

ClinVar aggregate classification (germline): Uncertain significance (1 of 4 stars; one submission).

Submission:

Labcorp Genetics (formerly Invitae), Labcorp
Classification: Uncertain significance. Last evaluated: 2025-02-27. Review status: criteria provided, single submitter. Criteria: Invitae Variant Classification Sherloc (09022015). Collection method: clinical testing. Allele origin: germline.
Comment: This sequence change replaces alanine, which is neutral and non-polar, with valine, which is neutral and non-polar, at codon 563 of the GPR179 protein (p.Ala563Val). This variant is not present in population databases (gnomAD no frequency). This variant has not been reported in the literature in individuals affected with GPR179-related conditions. An algorithm developed to predict the effect of missense changes on protein structure and function (PolyPhen-2) suggests that this variant is likely to be tolerated. In summary, the available evidence is currently insufficient to determine the role of this variant in disease. Therefore, it has been classified as a Variant of Uncertain Significance.

NM_001004334.4(GPR179):c.1688C>T (p.Ala563Val)

Gene: GPR179 (G protein-coupled receptor 179; minus strand). Cytogenetic location: 17q12.
Variant type: single nucleotide variant.
Coding change: c.1688C>T on transcript NM_001004334.4 (MANE Select); coding-DNA position 1688, C replaced by T.
Protein change: p.Ala563Val; replaces alanine 563 with valine.
Molecular consequence: missense variant.
Genome position (GRCh38, 1-based): chr17:38,334,800, G>A on the plus strand (C>T on the coding strand, the complement: GPR179 is on the minus strand). VCF-style: chr17-38334800-G-A. GRCh37 (hg19) VCF-style: chr17-36490683-G-A.
Other names: short protein forms A563V.
Identifiers: ClinVar variation 4714094 (VCV004714094.1).